The following is an entry in ClinVar:

NM_001110556.2(FLNA):c.1643G>A (p.Gly548Glu)

Gene: FLNA (filamin A; minus strand). Cytogenetic location: Xq28.
Variant type: single nucleotide variant.
Coding change: c.1643G>A on transcript NM_001110556.2 (MANE Select); coding-DNA position 1643, G replaced by A.
Protein change: p.Gly548Glu; replaces glycine 548 with glutamic acid.
Molecular consequence: missense variant.
Genome position (GRCh38, 1-based): chrX:154,365,184, C>T on the plus strand (G>A on the coding strand, the complement: FLNA is on the minus strand). VCF-style: chrX-154365184-C-T. GRCh37 (hg19) VCF-style: chrX-153593552-C-T.
Other names: c.1643G>A, p.Gly548Glu (NM_001456.4); short protein forms G548E.
Identifiers: ClinVar variation 2937029 (VCV002937029.3), dbSNP rs2522756941, ClinGen allele CA415243122.

ClinVar aggregate classification (germline): Uncertain significance (1 of 4 stars; one submission).

Conditions:
Oto-palato-digital syndrome, type II (OPD2). Also called: FACIOPALATOOSSEOUS SYNDROME; OPD II SYNDROME; Otopalatodigital Syndrome, Type II; Otopalatodigital Syndrome Type 2 (FLNA-OPD2). Identifiers: Orphanet 669, Orphanet 90652, MedGen C1844696, MONDO:0010571, OMIM 304120.
Heterotopia, periventricular, X-linked dominant (PVNH1). Also called: PERIVENTRICULAR NODULAR HETEROTOPIA 1; X-linked periventricular heterotopia; PERIVENTRICULAR NODULAR HETEROTOPIA 4; HETEROTOPIA, PERIVENTRICULAR, 1. Identifiers: Orphanet 2149, Orphanet 82004, MedGen C1848213, MONDO:0010233, OMIM 300049.
Frontometaphyseal dysplasia (FMD1). Identifiers: Orphanet 1826, MedGen C0265293, MONDO:0015942.
Melnick-Needles syndrome (MNS). Also called: MELNICK-NEEDLES OSTEODYSPLASTY; OSTEODYSPLASTY OF MELNICK AND NEEDLES; Melnick-Needles Syndrome (FLNA-MNS). Identifiers: Orphanet 2484, MedGen C0025237, MONDO:0010650, OMIM 309350.

Submission:

Labcorp Genetics (formerly Invitae), Labcorp
Classification: Uncertain significance for Oto-palato-digital syndrome, type II; Heterotopia, periventricular, X-linked dominant; Frontometaphyseal dysplasia; Melnick-Needles syndrome. Last evaluated: 2023-01-14. Review status: criteria provided, single submitter. Criteria: Invitae Variant Classification Sherloc (09022015). Collection method: clinical testing. Allele origin: germline.
Comment: In summary, the available evidence is currently insufficient to determine the role of this variant in disease. Therefore, it has been classified as a Variant of Uncertain Significance. Advanced modeling of protein sequence and biophysical properties (such as structural, functional, and spatial information, amino acid conservation, physicochemical variation, residue mobility, and thermodynamic stability) performed at Invitae indicates that this missense variant is expected to disrupt FLNA protein function. This variant has not been reported in the literature in individuals affected with FLNA-related conditions. This variant is not present in population databases (gnomAD no frequency). This sequence change replaces glycine, which is neutral and non-polar, with glutamic acid, which is acidic and polar, at codon 548 of the FLNA protein (p.Gly548Glu).